The following is an entry in ClinVar:

NM_020745.4(AARS2):c.277C>T (p.Arg93Ter)

Gene: AARS2 (alanyl-tRNA synthetase 2, mitochondrial; minus strand). Cytogenetic location: 6p21.1.
Variant type: single nucleotide variant.
Coding change: c.277C>T on transcript NM_020745.4 (MANE Select); coding-DNA position 277, C replaced by T.
Protein change: p.Arg93Ter; replaces arginine 93 with a stop codon.
Molecular consequence: nonsense.
Genome position (GRCh38, 1-based): chr6:44,312,230, G>A on the plus strand (C>T on the coding strand, the complement: AARS2 is on the minus strand). VCF-style: chr6-44312230-G-A. GRCh37 (hg19) VCF-style: chr6-44279967-G-A.
Other names: short protein forms R93*.
Identifiers: ClinVar variation 1064699 (VCV001064699.4), dbSNP rs760920084, ClinGen allele CA3834694.

ClinVar aggregate classification (germline): Pathogenic (0 of 4 stars; one submission).

Conditions:
Combined oxidative phosphorylation defect type 8. Also called: CARDIOMYOPATHY, HYPERTROPHIC MITOCHONDRIAL, FATAL INFANTILE. Identifiers: Orphanet 319504, MedGen C4518839, MONDO:0013570, OMIM 614096.

Allele frequency attached by ClinVar (database versions not stated): TOPMed below 0.00001; gnomAD 0.00001; gnomAD exomes 0.00001; ExAC 0.00002.

Submission:

Istanbul Faculty of Medicine, Istanbul University
Classification: Pathogenic for Combined oxidative phosphorylation defect type 8. Last evaluated: 2020-12-25. Review status: no assertion criteria provided. Collection method: clinical testing. Allele origin: germline. Affected: yes. Observed: 1 variant allele.

Literature cited by the submitters: PubMed 37377599.